The following is an entry in ClinVar:

NM_001184880.2(PCDH19):c.85G>A (p.Val29Ile)

Gene: PCDH19 (protocadherin 19; minus strand). Cytogenetic location: Xq22.1.
Variant type: single nucleotide variant.
Coding change: c.85G>A on transcript NM_001184880.2 (MANE Select); coding-DNA position 85, G replaced by A.
Protein change: p.Val29Ile; replaces valine 29 with isoleucine.
Molecular consequence: missense variant.
Genome position (GRCh38, 1-based): chrX:100,408,513, C>T on the plus strand (G>A on the coding strand, the complement: PCDH19 is on the minus strand). VCF-style: chrX-100408513-C-T. GRCh37 (hg19) VCF-style: chrX-99663511-C-T.
Other names: c.85G>A, p.Val29Ile (NM_001105243.2, NM_020766.3); short protein forms V29I.
Identifiers: ClinVar variation 4698229 (VCV004698229.1).

ClinVar aggregate classification (germline): Uncertain significance (1 of 4 stars; one submission).

Conditions:
Developmental and epileptic encephalopathy, 9 (DEE9). Also called: Early infantile epileptic encephalopathy 9; EPILEPSY, FEMALE-RESTRICTED, WITH MENTAL RETARDATION; JUBERG-HELLMAN SYNDROME; PCDH19-Related X-Linked Female-Limited Epilepsy with Mental Retardation. Identifiers: Orphanet 101039, Orphanet 2076, MedGen C1848137, MONDO:0010246, OMIM 300088. Disease mechanism: loss of function.

gnomAD v4.1: 1 of 1,201,978 alleles (0.000083%); highest among the groups gnomAD compares: Non-Finnish European, 0.00011%; no homozygotes.

Submission:

Labcorp Genetics (formerly Invitae), Labcorp
Classification: Uncertain significance for Developmental and epileptic encephalopathy, 9. Last evaluated: 2025-02-12. Review status: criteria provided, single submitter. Criteria: Invitae Variant Classification Sherloc (09022015). Collection method: clinical testing. Allele origin: germline.
Comment: This sequence change replaces valine, which is neutral and non-polar, with isoleucine, which is neutral and non-polar, at codon 29 of the PCDH19 protein (p.Val29Ile). This variant is not present in population databases (gnomAD no frequency). This variant has not been reported in the literature in individuals affected with PCDH19-related conditions. Invitae Evidence Modeling of protein sequence and biophysical properties (such as structural, functional, and spatial information, amino acid conservation, physicochemical variation, residue mobility, and thermodynamic stability) indicates that this missense variant is not expected to disrupt PCDH19 protein function with a negative predictive value of 95%. In summary, the available evidence is currently insufficient to determine the role of this variant in disease. Therefore, it has been classified as a Variant of Uncertain Significance.